The following is an entry in ClinVar:

NM_005430.4(WNT1):c.541G>A (p.Gly181Ser)

Gene: WNT1 (Wnt family member 1; plus strand). Cytogenetic location: 12q13.12.
Variant type: single nucleotide variant.
Coding change: c.541G>A on transcript NM_005430.4 (MANE Select); coding-DNA position 541, G replaced by A.
Protein change: p.Gly181Ser; replaces glycine 181 with serine.
Molecular consequence: missense variant.
Genome position (GRCh38, 1-based): chr12:48,980,606, G>A. VCF-style: chr12-48980606-G-A. GRCh37 (hg19) VCF-style: chr12-49374389-G-A.
Other names: c.541G>A (NM_005430.3); short protein forms G181S.
Identifiers: ClinVar variation 1502939 (VCV001502939.14), dbSNP rs201861196, ClinGen allele CA6544415.

ClinVar aggregate classification (germline): Uncertain significance. Review status: criteria provided, multiple submitters, no conflicts (2 of 4 stars). 6 submissions from 6 submitters: Uncertain significance (6). Last evaluated 2026-06-11.

Conditions:
Inborn genetic diseases. Identifiers: MedGen C0950123, MeSH D030342.
WNT1-related disorder. Also called: WNT1-related condition.

Allele frequency attached by ClinVar (database versions not stated): gnomAD 0.00026 and 0.00027; TOPMed 0.00027; gnomAD exomes 0.00029; ESP Exome Variant Server 0.00031; ExAC 0.00041.
gnomAD v4.1: 771 of 1,604,584 alleles (0.048%); highest among the groups gnomAD compares: Non-Finnish European, 0.061%; no homozygotes.

Submissions (8):

Women's Health and Genetics/Laboratory Corporation of America, LabCorp
Classification: Uncertain significance. Last evaluated: 2026-06-11. Review status: criteria provided, single submitter. Criteria: LabCorp Variant Classification Summary - May 2015. Collection method: clinical testing. Allele origin: germline.
Comment: Variant summary: WNT1 c.541G>A (p.Gly181Ser) results in a non-conservative amino acid change in the encoded protein sequence. Algorithms developed to predict the effect of missense changes on protein structure and function are either unavailable or do not agree on the potential impact of this missense change. The variant allele was found at a frequency of 0.00029 in 229470 control chromosomes, predominantly at a frequency of 0.00056 within the Non-Finnish European subpopulation in the gnomAD database. This frequency is not significantly higher than estimated for disease-causing variants in WNT1, allowing no conclusion about variant significance. To our knowledge, no occurrence of c.541G>A in individuals affected with WNT1-related conditions and no experimental evidence demonstrating its impact on protein function have been reported. ClinVar contains an entry for this variant (Variation ID: 1502939). Based on the evidence outlined above, the variant was classified as uncertain significance.

PreventionGenetics, part of Exact Sciences
Classification: Uncertain significance for WNT1-related condition. Last evaluated: 2024-12-12. Review status: criteria provided, single submitter. Criteria: ACMG Guidelines, 2015. Collection method: clinical testing. Allele origin: germline.
Comment: The WNT1 c.541G>A variant is predicted to result in the amino acid substitution p.Gly181Ser. To our knowledge, this variant has not been reported in the literature. This variant is reported in 0.055% of alleles in individuals of European (Non-Finnish) descent in gnomAD. Although we suspect that this variant may be benign, at this time, the clinical significance of this variant is uncertain due to the absence of conclusive functional and genetic evidence.

Labcorp Genetics (formerly Invitae), Labcorp
Classification: Uncertain significance. Last evaluated: 2024-11-27. Review status: criteria provided, single submitter. Criteria: Invitae Variant Classification Sherloc (09022015). Collection method: clinical testing. Allele origin: germline.
Comment: This sequence change replaces glycine, which is neutral and non-polar, with serine, which is neutral and polar, at codon 181 of the WNT1 protein (p.Gly181Ser). This variant is present in population databases (rs201861196, gnomAD 0.06%). This variant has not been reported in the literature in individuals affected with WNT1-related conditions. ClinVar contains an entry for this variant (Variation ID: 1502939). Invitae Evidence Modeling of protein sequence and biophysical properties (such as structural, functional, and spatial information, amino acid conservation, physicochemical variation, residue mobility, and thermodynamic stability) indicates that this missense variant is not expected to disrupt WNT1 protein function with a negative predictive value of 80%. In summary, the available evidence is currently insufficient to determine the role of this variant in disease. Therefore, it has been classified as a Variant of Uncertain Significance.

Blueprint Genetics
Classification: Uncertain significance. Last evaluated: 2024-10-28. Review status: criteria provided, single submitter. Criteria: ACMG Guidelines, 2015. Collection method: clinical testing. Allele origin: germline.

ARUP Laboratories, Molecular Genetics and Genomics, ARUP Laboratories
Classification: Uncertain significance. Last evaluated: 2024-01-26. Review status: criteria provided, single submitter. Criteria: ARUP Molecular Germline Variant Investigation Process 2024. Collection method: clinical testing. Allele origin: germline.
Comment: The WNT1 c.541G>A; p.Gly181Ser variant (rs201861196), to our knowledge, is not reported in the medical literature but is reported in ClinVar (Variation ID: 1502939). This variant is found in the non-Finnish European population with an allele frequency of 0.06% (64/116,370 alleles) in the Genome Aggregation Database (v2.1.1). Computational analyses are uncertain whether this variant is neutral or deleterious (REVEL: 0.154). Due to limited information, the clinical significance of this variant is uncertain at this time.

Ambry Genetics
Classification: Uncertain significance for Inborn genetic diseases. Last evaluated: 2023-01-23. Review status: criteria provided, single submitter. Criteria: Ambry Variant Classification Scheme 2023. Collection method: clinical testing. Allele origin: germline.

Dr. Peter K. Rogan Lab, Western University
No classification provided (evidence only). Condition: Gastric cancer. Review status: no classification provided. Collection method: in vitro. Allele origin: not applicable. Functional consequence: retained intron. Not counted in ClinVar's aggregate classification.

Dr. Peter K. Rogan Lab, Western University
No classification provided (evidence only). Condition: Gastric cancer. Review status: no classification provided. Collection method: in vitro. Allele origin: not applicable. Functional consequence: retained intron. Not counted in ClinVar's aggregate classification.